The following is an entry in ClinVar:

NM_152443.3(RDH12):c.693_694insACTGCGTCCGCTCTGAGCTGGC (p.Val232fs)

Genes: GPHN (gephyrin; plus strand), RDH12 (retinol dehydrogenase 12; plus strand), ZFYVE26 (zinc finger FYVE-type containing 26; minus strand). Cytogenetic location: 14q24.1.
Variant type: Insertion.
Coding change: c.693_694insACTGCGTCCGCTCTGAGCTGGC on transcript NM_152443.3 (MANE Select); coding-DNA positions 693 to 694, ACTGCGTCCGCTCTGAGCTGGC inserted.
Protein change: p.Val232fs; shifts the reading frame from valine 232.
Molecular consequence: frameshift variant.
Genome position: GRCh38 VCF-style: chr14-67729222-A-AGGCACTGCGTCCGCTCTGAGCT. GRCh37 (hg19) VCF-style: chr14-68195939-A-AGGCACTGCGTCCGCTCTGAGCT.
Other names: short protein forms V232fs.
Identifiers: ClinVar variation 3390374 (VCV003390374.3).

ClinVar aggregate classification (germline): Likely pathogenic. Review status: criteria provided, multiple submitters, no conflicts (2 of 4 stars). 2 submissions from 2 submitters: Likely pathogenic (2). Last evaluated 2024-12-10.

Conditions:
Retinitis pigmentosa (RP). Identifiers: Orphanet 791, MedGen C0035334, MeSH D012174, MONDO:0019200, OMIM 268000. Inheritance: Autosomal dominant, autosomal recessive and X linked inheritance.
Leber congenital amaurosis 13 (LCA13). Identifiers: MedGen C2675186, MONDO:0012990, OMIM 612712.

Submissions (2):

SN ONGC Dept of Genetics and Molecular biology Vision Research Foundation
Classification: Likely pathogenic for Retinitis pigmentosa. Last evaluated: 2024-12-10. Review status: criteria provided, single submitter. Criteria: ACMG Guidelines, 2015. Collection method: research. Allele origin: biparental. Inheritance: Autosomal recessive inheritance. Affected: yes. Observed: 1 homozygote.
Comment: The c.690_691insGGCACTGCGTCCGCTCTGAGCT variant in RDH12 reported in one family in homozygous state. This variant not reported in ExAC nor in 1000Genome. The variant was absent in 100 healthy controls screened. Additionally segregation analysis is also completed among the parents. The variant is classified as Likely pathogenic variant

Fulgent Genetics
Classification: Likely pathogenic for Leber congenital amaurosis 13. Last evaluated: 2024-06-10. Review status: criteria provided, single submitter. Criteria: ACMG Guidelines, 2015. Collection method: clinical testing. Allele origin: germline.